The following is an entry in ClinVar:

NM_145290.4(ADGRA3):c.3772T>C (p.Ser1258Pro)

Gene: ADGRA3 (adhesion G protein-coupled receptor A3; minus strand). Cytogenetic location: 4p15.2.
Variant type: single nucleotide variant.
Coding change: c.3772T>C on transcript NM_145290.4 (MANE Select); coding-DNA position 3772, T replaced by C.
Protein change: p.Ser1258Pro; replaces serine 1258 with proline.
Molecular consequence: missense variant.
Genome position (GRCh38, 1-based): chr4:22,387,899, A>G on the plus strand (T>C on the coding strand, the complement: ADGRA3 is on the minus strand). VCF-style: chr4-22387899-A-G. GRCh37 (hg19) VCF-style: chr4-22389522-A-G.
Other names: short protein forms S1258P.
Identifiers: ClinVar variation 3620579 (VCV003620579.2).
Genomic context (GRCh38, chr4:22,387,899, plus strand): 5'-GCTGATTTTCAAGTTCAACCACAGCTGGCTTCCTTAACGCATCTTTTTTACTAGTGGTTG[A>G]AACTGGCTTTTCAAAATTTCTGCTACTTTTGGGAAGTGTGCTACAAGCATCGCTGCTGTC-3'
Protein context (NP_660333.2, residues 1248-1268): KSSRNFEKPV[Ser1258Pro]TTSKKDALRK

ClinVar aggregate classification (germline): Uncertain significance (1 of 4 stars; one submission).

gnomAD v4.1: 45 of 1,614,058 alleles (0.0028%); highest among the groups gnomAD compares: Non-Finnish European, 0.0038%; no homozygotes.

Submission:

Labcorp Genetics (formerly Invitae), Labcorp
Classification: Uncertain significance. Last evaluated: 2024-12-10. Review status: criteria provided, single submitter. Criteria: Invitae Variant Classification Sherloc (09022015). Collection method: clinical testing. Allele origin: germline.
Comment: This sequence change replaces serine, which is neutral and polar, with proline, which is neutral and non-polar, at codon 1258 of the ADGRA3 protein (p.Ser1258Pro). This variant is present in population databases (no rsID available, gnomAD 0.01%). This variant has not been reported in the literature in individuals affected with ADGRA3-related conditions. An algorithm developed to predict the effect of missense changes on protein structure and function outputs the following: PolyPhen-2: "Benign". The proline amino acid residue is found in multiple mammalian species, which suggests that this missense change does not adversely affect protein function. In summary, the available evidence is currently insufficient to determine the role of this variant in disease. Therefore, it has been classified as a Variant of Uncertain Significance.